The following is an entry in ClinVar:

ClinVar aggregate classification (germline): Likely benign. Review status: criteria provided, multiple submitters, no conflicts (2 of 4 stars). 2 submissions from 2 submitters: Likely benign (2). Last evaluated 2024-11-03.

Conditions:
Epidermolysis bullosa simplex, Ogna type (EBS5A). Also called: Pidermolysis bullosa simplex 5A, Ogna type; EPIDERMOLYSIS BULLOSA SIMPLEX 5A, OGNA TYPE. Identifiers: Orphanet 79401, MedGen C0432317, MONDO:0007555, OMIM 131950.
Epidermolysis bullosa simplex 5C, with pyloric atresia (EBS5C). Also called: PLEC-Related Epidermolysis Bullosa with Pyloric Atresia; Epidermolysis bullosa simplex with pyloric atresia; PLEC1-Related Epidermolysis Bullosa with Pyloric Atresia. Identifiers: Orphanet 158684, MedGen C2677349, MONDO:0012807, OMIM 612138.
Epidermolysis bullosa simplex with nail dystrophy (EBS5D). Identifiers: MedGen C4225309, MONDO:0014661, OMIM 616487.
Epidermolysis bullosa simplex 5B, with muscular dystrophy (EBS5B). Also called: Epidermolysis bullosa simplex with muscular dystrophy; EPIDERMOLYSIS BULLOSA SIMPLEX AND LIMB-GIRDLE MUSCULAR DYSTROPHY. Identifiers: Orphanet 257, MedGen C2931072, MONDO:0009181, OMIM 226670.
Autosomal recessive limb-girdle muscular dystrophy type 2Q (LGMDR17). Also called: MUSCULAR DYSTROPHY, LIMB-GIRDLE, AUTOSOMAL RECESSIVE 17. Identifiers: Orphanet 254361, MedGen C3150989, MONDO:0013390, OMIM 613723.

Allele frequency attached by ClinVar (database versions not stated): gnomAD 0.00001 and 0.00002; gnomAD exomes 0.00001 and 0.00002; ExAC 0.00002; TOPMed 0.00002.
gnomAD v4.1: 35 of 1,591,238 alleles (0.0022%); highest among the groups gnomAD compares: South Asian, 0.0089%; no homozygotes.

Submissions (2):

Labcorp Genetics (formerly Invitae), Labcorp
Classification: Likely benign for Autosomal recessive limb-girdle muscular dystrophy type 2Q; Epidermolysis bullosa simplex, Ogna type; Epidermolysis bullosa simplex with nail dystrophy; Epidermolysis bullosa simplex 5C, with pyloric atresia; Epidermolysis bullosa simplex 5B, with muscular dystrophy. Last evaluated: 2024-11-03. Review status: criteria provided, single submitter. Criteria: Invitae Variant Classification Sherloc (09022015). Collection method: clinical testing. Allele origin: germline.

CeGaT Center for Human Genetics Tuebingen
Classification: Likely benign. Last evaluated: 2024-04-01. Review status: criteria provided, single submitter. Criteria: CeGaT Center For Human Genetics Tuebingen Variant Classification Criteria Version 2. Collection method: clinical testing. Allele origin: germline. Affected: yes. Observed: 1 variant allele.
Comment: PLEC: BP4, BP7

NM_201384.3(PLEC):c.6315G>A (p.Ala2105=)

Gene: PLEC (plectin; minus strand). Cytogenetic location: 8q24.3.
Variant type: single nucleotide variant.
Coding change: c.6315G>A on transcript NM_201384.3 (MANE Select); coding-DNA position 6315, G replaced by A.
Protein change: p.Ala2105=; no amino-acid change (alanine 2105 retained).
Molecular consequence: synonymous variant.
Genome position (GRCh38, 1-based): chr8:143,923,614, C>T on the plus strand (G>A on the coding strand, the complement: PLEC is on the minus strand). VCF-style: chr8-143923614-C-T. GRCh37 (hg19) VCF-style: chr8-144997782-C-T.
Other names: c.6396G>A, p.Ala2132= (NM_000445.5); c.6273G>A, p.Ala2091= (NM_201378.4); c.6249G>A, p.Ala2083= (NM_201379.3); c.6726G>A, p.Ala2242= (NM_201380.4); c.6219G>A, p.Ala2073= (NM_201381.3); c.6315G>A, p.Ala2105= (NM_201382.4); c.6327G>A, p.Ala2109= (NM_201383.3).
Identifiers: ClinVar variation 1590213 (VCV001590213.28), dbSNP rs782099206, ClinGen allele CA4926044.